The following is an entry in ClinVar:

NM_005228.5(EGFR):c.787A>C (p.Thr263Pro)

Gene: EGFR (epidermal growth factor receptor; plus strand). Cytogenetic location: 7p11.2.
Variant type: single nucleotide variant.
Coding change: c.787A>C on transcript NM_005228.5 (MANE Select); coding-DNA position 787, A replaced by C.
Protein change: p.Thr263Pro; replaces threonine 263 with proline.
Molecular consequence: missense variant. On other transcripts: intron variant (1).
Genome position (GRCh38, 1-based): chr7:55,154,050, A>C. VCF-style: chr7-55154050-A-C. GRCh37 (hg19) VCF-style: chr7-55221743-A-C.
Other names: c.652A>C, p.Thr218Pro (NM_001346897.2, NM_001346899.2); c.787A>C, p.Thr263Pro (NM_001346898.2, NM_201282.2, NM_201283.2 and 1 more transcripts); c.628A>C, p.Thr210Pro (NM_001346900.2); c.89-1780A>C (NM_001346941.2); short protein forms T263P, T218P, T210P.
Identifiers: ClinVar variation 4530046 (VCV004530046.1), dbSNP rs1057519829.

ClinVar aggregate classification (somatic clinical impact): Tier I - Strong. Review status: criteria provided, single submitter (1 of 4 stars). 2 submissions from 1 submitter. Last evaluated 2024-01-08.

Conditions:
Diffuse pediatric-type high-grade glioma, H3-wildtype and IDH-wildtype. Identifiers: MedGen C5669918, MONDO:0858939.
Diffuse midline glioma, H3 K27M-mutant. Identifiers: MedGen C4289688, MONDO:0957196.

Submissions (2):

Institute for Genomic Medicine (IGM) Clinical Laboratory, Nationwide Children's Hospital
Classification: Tier I - Strong for Diffuse midline glioma, H3 K27M-mutant. Assertion type: diagnostic. Clinical significance: supports diagnosis. Last evaluated: 2024-01-08. Review status: criteria provided, single submitter. Criteria: AMP/ASCO/CAP Guidelines, 2017. Collection method: clinical testing. Allele origin: somatic. Affected: yes.
Comment: Variant has Tier I (strong) clinical significance as a diagnostic inclusion criterion in diffuse midline glioma, H3 K27M-mutant, based on the following evidence: 1) Documented in one or more cancer databases (e.g., St. Jude Pecan, COSMIC, CIViC, OncoKB). 2) Appears in one or more well-established professional guidelines (e.g., World Health Organization [WHO]; National Comprehensive Cancer Network [NCCN]) as providing diagnostic, prognostic, or therapeutic information. 3) Information in the literature supports potential biologic effect of variant (PMID: 17177598). 4) Diagnostic for a specific tumor type/classification according to professional guidelines (Evidence Level A; PMIDs: 33130881, 36882456, 32303840).

Institute for Genomic Medicine (IGM) Clinical Laboratory, Nationwide Children's Hospital
Classification: Tier I - Strong for Diffuse pediatric-type high-grade glioma, H3-wildtype and IDH-wildtype. Assertion type: diagnostic. Clinical significance: supports diagnosis. Last evaluated: 2023-07-31. Review status: criteria provided, single submitter. Criteria: AMP/ASCO/CAP Guidelines, 2017. Collection method: clinical testing. Allele origin: somatic. Affected: yes.
Comment: Variant has Tier I (strong) clinical significance as a diagnostic inclusion criterion in diffuse pediatric-type high-grade glioma, H3-wildtype and IDH-wildtype, based on the following evidence: 1) Documented in one or more cancer databases (e.g., St. Jude Pecan, COSMIC, CIViC, OncoKB). 2) Appears in one or more well-established professional guidelines (e.g., World Health Organization [WHO]; National Comprehensive Cancer Network [NCCN]) as providing diagnostic, prognostic, or therapeutic information. 3) Information in the literature supports potential biologic effect of variant (PMID: 17177598). 4) Diagnostic for a specific tumor type/classification based on well-powered studies with expert-level consensus (Evidence Level B; PMIDs: 28966033, 24705251, 29763623, 28912153, 35332262).

Literature cited by the submitters: PubMed 17177598; PubMed 33130881; PubMed 36882456; PubMed 32303840; PubMed 28966033; PubMed 24705251; PubMed 29763623; PubMed 28912153; PubMed 35332262.